The following is an entry in ClinVar:

NM_001287.6(CLCN7):c.1004C>T (p.Thr335Met)

Gene: CLCN7 (chloride voltage-gated channel 7; minus strand). Cytogenetic location: 16p13.3.
Variant type: single nucleotide variant.
Coding change: c.1004C>T on transcript NM_001287.6 (MANE Select); coding-DNA position 1004, C replaced by T.
Protein change: p.Thr335Met; replaces threonine 335 with methionine.
Molecular consequence: missense variant.
Genome position (GRCh38, 1-based): chr16:1,455,228, G>A on the plus strand (C>T on the coding strand, the complement: CLCN7 is on the minus strand). VCF-style: chr16-1455228-G-A. GRCh37 (hg19) VCF-style: chr16-1505229-G-A.
Other names: c.932C>T, p.Thr311Met (NM_001114331.3); short protein forms T335M, T311M.
Identifiers: ClinVar variation 2916199 (VCV002916199.3), dbSNP rs1334003772, ClinGen allele CA394189879.

ClinVar aggregate classification (germline): Uncertain significance (1 of 4 stars; one submission).

Allele frequency attached by ClinVar (database versions not stated): gnomAD 0.00001; gnomAD exomes 0.00001.
gnomAD v4.1: 10 of 1,612,668 alleles (0.00062%); highest among the groups gnomAD compares: African/African-American, 0.008%; no homozygotes.

Submission:

Labcorp Genetics (formerly Invitae), Labcorp
Classification: Uncertain significance. Last evaluated: 2023-11-18. Review status: criteria provided, single submitter. Criteria: Invitae Variant Classification Sherloc (09022015). Collection method: clinical testing. Allele origin: germline.
Comment: This sequence change replaces threonine, which is neutral and polar, with methionine, which is neutral and non-polar, at codon 335 of the CLCN7 protein (p.Thr335Met). This variant is present in population databases (no rsID available, gnomAD 0.003%). This variant has not been reported in the literature in individuals affected with CLCN7-related conditions. An algorithm developed to predict the effect of missense changes on protein structure and function (PolyPhen-2) suggests that this variant is likely to be disruptive. In summary, the available evidence is currently insufficient to determine the role of this variant in disease. Therefore, it has been classified as a Variant of Uncertain Significance.